The following is an entry in ClinVar:

NM_001377265.1(MAPT):c.1179G>A (p.Ser393=)

Gene: MAPT (microtubule associated protein tau). Cytogenetic location: 17q21.31.
Variant type: single nucleotide variant.
Coding change: c.1179G>A on transcript NM_001377265.1 (MANE Select); coding-DNA position 1179, G replaced by A.
Protein change: p.Ser393=; no amino-acid change (serine 393 retained).
Molecular consequence: synonymous variant. On other transcripts: intron variant (8).
Genome position (GRCh38, 1-based): chr17:45,983,758, G>A. VCF-style: chr17-45983758-G-A. GRCh37 (hg19) VCF-style: chr17-44061124-G-A.
Other names: c.954G>A, p.Ser318= (NM_001123066.4, NM_016835.5); c.1179G>A, p.Ser393= (NM_001377266.1); c.200-3282G>A (NM_001377268.1, NM_016834.5, NM_016841.5); c.374-3282G>A (NM_005910.6, NM_001203252.2); c.287-3282G>A (NM_001123067.4, NM_001203251.2, NM_001377267.1).
Identifiers: ClinVar variation 3031249 (VCV003031249.2), dbSNP rs139144750, ClinGen allele CA8617806.
Genomic context (GRCh38, chr17:45,983,758, plus strand): 5'-CCTGGAGTTCACGTTTCACGTGGAAATCACACCCAACGTGCAGAAGGAGCAGGCGCACTC[G>A]GAGGAGCATTTGGGAAGGGCTGCATTTCCAGGGGCCCCTGGAGAGGGGCCAGAGGCCCGG-3'
Protein context (NP_001364194.1, residues 383-403): TPNVQKEQAH[Ser393=]EEHLGRAAFP

ClinVar aggregate classification (germline): Likely benign (0 of 4 stars; one submission).

Conditions:
MAPT-related disorder. Also called: MAPT-Related Disorders; MAPT-related condition.

gnomAD v4.1: 17 of 1,613,990 alleles (0.0011%); highest among the groups gnomAD compares: East Asian, 0.0045%; no homozygotes.

Submission:

PreventionGenetics, part of Exact Sciences
Classification: Likely benign for MAPT-related condition. Last evaluated: 2023-02-01. Review status: no assertion criteria provided. Collection method: clinical testing. Allele origin: germline.
Comment: This variant is classified as likely benign based on ACMG/AMP sequence variant interpretation guidelines (Richards et al. 2015 PMID: 25741868, with internal and published modifications).